The following is an entry in ClinVar:

ClinVar aggregate classification (germline): Uncertain significance (1 of 4 stars; one submission).

gnomAD v4.1: 12 of 1,613,616 alleles (0.00074%); highest among the groups gnomAD compares: Non-Finnish European, 0.001%; no homozygotes.

Submission:

Women's Health and Genetics/Laboratory Corporation of America, LabCorp
Classification: Uncertain significance. Last evaluated: 2024-02-08. Review status: criteria provided, single submitter. Criteria: LabCorp Variant Classification Summary - May 2015. Collection method: clinical testing. Allele origin: germline.
Comment: Variant summary: SHOX c.53A>T (p.Asp18Val) results in a non-conservative amino acid change in the encoded protein sequence. Three of five in-silico tools predict a benign effect of the variant on protein function. The variant allele was found at a frequency of 4e-06 in 250948 control chromosomes (gnomAD). The available data on variant occurrences in the general population are insufficient to allow any conclusion about variant significance. To our knowledge, no occurrence of c.53A>T in individuals affected with Leri-Weill Dyschondrosteosis and no experimental evidence demonstrating its impact on protein function have been reported. No submitters have cited clinical-significance assessments for this variant to ClinVar. Based on the evidence outlined above, the variant was classified as uncertain significance.

NM_000451.4(SHOX):c.53A>T (p.Asp18Val)

Gene: SHOX (SHOX homeobox; plus strand). Cytogenetic location: Xp22.33.
Variant type: single nucleotide variant.
Coding change: c.53A>T on transcript NM_000451.4 (MANE Select); coding-DNA position 53, A replaced by T.
Protein change: p.Asp18Val; replaces aspartic acid 18 with valine.
Molecular consequence: missense variant.
Genome position (GRCh38, 1-based): chrX:630,950, A>T. VCF-style: chrX-630950-A-T. GRCh37 (hg19) VCF-style: chrX-591685-A-T.
Other names: c.53A>T, p.Asp18Val (NM_006883.2); short protein forms D18V.
Identifiers: ClinVar variation 3068878 (VCV003068878.2), dbSNP rs768402466, ClinGen allele CA412230655.
Genomic context (GRCh38, chrX:630,950, plus strand): 5'-CCCCAGCCATGGAAGAGCTCACGGCTTTTGTATCCAAGTCTTTTGACCAGAAAAGCAAGG[A>T]CGGTAACGGCGGAGGCGGAGGCGGCGGAGGTAAGAAGGATTCCATTACGTACCGGGAAGT-3'
Protein context (NP_000442.1, residues 8-28): VSKSFDQKSK[Asp18Val]GNGGGGGGGG